The following is an entry in ClinVar:

ClinVar aggregate classification (germline): Conflicting classifications of pathogenicity. Review status: criteria provided, conflicting classifications (1 of 4 stars). 4 submissions from 4 submitters: Uncertain significance (3); Likely benign (1). Last evaluated 2025-12-23.

Conditions:
LAMA2-related muscular dystrophy (LAMA2-RD). Also called: Laminin alpha 2-related dystrophy. Identifiers: MedGen C5679788, MONDO:0100228.
Merosin deficient congenital muscular dystrophy (MDC1A). Also called: Congenital merosin-deficient muscular dystrophy 1A; Congenital Muscular Dystrophy Type 1A (MDC1A). Identifiers: Orphanet 258, MedGen C1263858, MONDO:0011925, OMIM 607855.
Muscular dystrophy, limb-girdle, autosomal recessive 23. Identifiers: Orphanet 565837, MedGen C4748327, MONDO:0029136, OMIM 618138.

Allele frequency attached by ClinVar (database versions not stated): gnomAD exomes below 0.00001; gnomAD 0.00006 and 0.00007; TOPMed 0.00006.

Submissions (4):

Labcorp Genetics (formerly Invitae), Labcorp
Classification: Likely benign for LAMA2-related muscular dystrophy. Last evaluated: 2025-12-23. Review status: criteria provided, single submitter. Criteria: Invitae Variant Classification Sherloc (09022015). Collection method: clinical testing. Allele origin: germline.

GeneDx
Classification: Uncertain significance. Last evaluated: 2023-06-29. Review status: criteria provided, single submitter. Criteria: GeneDx Variant Classification Process June 2021. Collection method: clinical testing. Allele origin: germline. Affected: yes.
Comment: Not observed at significant frequency in large population cohorts (gnomAD); In silico analysis supports that this missense variant does not alter protein structure/function; Has not been previously published as pathogenic or benign to our knowledge

Fulgent Genetics
Classification: Uncertain significance for Merosin deficient congenital muscular dystrophy; Muscular dystrophy, limb-girdle, autosomal recessive 23. Last evaluated: 2021-10-14. Review status: criteria provided, single submitter. Criteria: ACMG Guidelines, 2015. Collection method: clinical testing. Allele origin: unknown.

Revvity Omics, Revvity
Classification: Uncertain significance. Last evaluated: 2020-02-18. Review status: criteria provided, single submitter. Criteria: ACMG Guidelines, 2015. Collection method: clinical testing. Allele origin: germline.

NM_000426.4(LAMA2):c.7486C>T (p.Leu2496Phe)

Gene: LAMA2 (laminin subunit alpha 2; plus strand). Cytogenetic location: 6q22.33.
Variant type: single nucleotide variant.
Coding change: c.7486C>T on transcript NM_000426.4 (MANE Select); coding-DNA position 7486, C replaced by T.
Protein change: p.Leu2496Phe; replaces leucine 2496 with phenylalanine.
Molecular consequence: missense variant.
Genome position (GRCh38, 1-based): chr6:129,478,727, C>T. VCF-style: chr6-129478727-C-T. GRCh37 (hg19) VCF-style: chr6-129799872-C-T.
Other names: c.7486C>T (NM_000426.3); c.7474C>T, p.Leu2492Phe (NM_001079823.2); short protein forms L2492F, L2496F.
Identifiers: ClinVar variation 1056728 (VCV001056728.13), dbSNP rs970365005, ClinGen allele CA146903395.
Genomic context (GRCh38, chr6:129,478,727, plus strand): 5'-TTGCTTTTCATTTGACTATTCAATAGGCCAGAAGTAAATCTGAAGAAATATTCCGGCTGC[C>T]TCAAAGATATTGAAATTTCAAGAACTCCGTACAATATACTCAGTAGTCCCGATTATGTTG-3'
Protein context (NP_000417.3, residues 2486-2506): EVNLKKYSGC[Leu2496Phe]KDIEISRTPY